The following is an entry in ClinVar:

ClinVar aggregate classification (germline): Benign/Likely benign. Review status: criteria provided, multiple submitters, no conflicts (2 of 4 stars). 3 submissions from 3 submitters: Benign (1); Likely benign (1). 1 of the submissions does not count toward it. Last evaluated 2025-12-27.

Conditions:
CDC73-related disorder. Also called: CDC73-related condition; CDC73-related disorders. Identifiers: MedGen CN169292.
Hereditary cancer-predisposing syndrome. Also called: Neoplastic Syndromes, Hereditary; Hereditary Cancer Syndrome; Tumor predisposition; Hereditary neoplastic syndrome. Identifiers: Orphanet 140162, MedGen C0027672, MeSH D009386, MONDO:0015356.
Parathyroid carcinoma (PRTC). Also called: Parathyroid gland carcinoma; CDC73-Related Parathyroid Carcinoma. Identifiers: Orphanet 143, MedGen C0687150, MONDO:0012004, OMIM 608266, HP:0006780.

Allele frequency attached by ClinVar (database versions not stated): gnomAD exomes 0.00001 and 0.00004; gnomAD 0.00002; TOPMed 0.00004; ExAC 0.00005.
gnomAD v4.1: 22 of 1,613,700 alleles (0.0014%); highest among the groups gnomAD compares: East Asian, 0.042%; no homozygotes.

Submissions (3):

Labcorp Genetics (formerly Invitae), Labcorp
Classification: Likely benign for Parathyroid carcinoma. Last evaluated: 2025-12-27. Review status: criteria provided, single submitter. Criteria: Invitae Variant Classification Sherloc (09022015). Collection method: clinical testing. Allele origin: germline.

Ambry Genetics
Classification: Benign for Hereditary cancer-predisposing syndrome. Last evaluated: 2021-12-09. Review status: criteria provided, single submitter. Criteria: Ambry Variant Classification Scheme 2023. Collection method: clinical testing. Allele origin: germline.

PreventionGenetics, part of Exact Sciences
Classification: Likely benign for CDC73-related condition. Last evaluated: 2020-11-18. Review status: no assertion criteria provided. Collection method: clinical testing. Allele origin: germline. Not counted in ClinVar's aggregate classification.
Comment: This variant is classified as likely benign based on ACMG/AMP sequence variant interpretation guidelines (Richards et al. 2015 PMID: 25741868, with internal and published modifications).

NM_024529.5(CDC73):c.1179G>A (p.Lys393=)

Gene: CDC73 (cell division cycle 73; plus strand). Cytogenetic location: 1q31.2.
Variant type: single nucleotide variant.
Coding change: c.1179G>A on transcript NM_024529.5 (MANE Select); coding-DNA position 1179, G replaced by A.
Protein change: p.Lys393=; no amino-acid change (lysine 393 retained).
Molecular consequence: synonymous variant.
Genome position (GRCh38, 1-based): chr1:193,233,017, G>A. VCF-style: chr1-193233017-G-A. GRCh37 (hg19) VCF-style: chr1-193202147-G-A.
Identifiers: ClinVar variation 531666 (VCV000531666.16), dbSNP rs200738107, ClinGen allele CA1303798.